The following is an entry in ClinVar:

NM_004698.4(PRPF3):c.1304C>G (p.Thr435Ser)

Gene: PRPF3 (pre-mRNA processing factor 3; plus strand). Cytogenetic location: 1q21.2.
Variant type: single nucleotide variant.
Coding change: c.1304C>G on transcript NM_004698.4 (MANE Select); coding-DNA position 1304, C replaced by G.
Protein change: p.Thr435Ser; replaces threonine 435 with serine.
Molecular consequence: missense variant. On other transcripts: non-coding transcript variant (4).
Genome position (GRCh38, 1-based): chr1:150,343,330, C>G. VCF-style: chr1-150343330-C-G. GRCh37 (hg19) VCF-style: chr1-150315806-C-G.
Other names: c.899C>G, p.Thr300Ser (NM_001350529.1); short protein forms T300S, T435S.
Identifiers: ClinVar variation 865919 (VCV000865919.6), dbSNP rs1160984185, ClinGen allele CA342279492.

ClinVar aggregate classification (germline): Uncertain significance. Review status: criteria provided, multiple submitters, no conflicts (2 of 4 stars). 3 submissions from 3 submitters: Uncertain significance (3). Last evaluated 2025-11-19.

Conditions:
Inborn genetic diseases. Identifiers: MedGen C0950123, MeSH D030342.

Allele frequency attached by ClinVar (database versions not stated): gnomAD exomes below 0.00001 and 0.00001; gnomAD 0.00001 and 0.00002.

Submissions (3):

Ambry Genetics
Classification: Uncertain significance for Inborn genetic diseases. Last evaluated: 2025-11-19. Review status: criteria provided, single submitter. Criteria: Ambry Variant Classification Scheme 2023. Collection method: clinical testing. Allele origin: germline.

Labcorp Genetics (formerly Invitae), Labcorp
Classification: Uncertain significance. Last evaluated: 2024-02-08. Review status: criteria provided, single submitter. Criteria: Invitae Variant Classification Sherloc (09022015). Collection method: clinical testing. Allele origin: germline.
Comment: This sequence change replaces threonine, which is neutral and polar, with serine, which is neutral and polar, at codon 435 of the PRPF3 protein (p.Thr435Ser). This variant is present in population databases (no rsID available, gnomAD 0.001%). This variant has not been reported in the literature in individuals affected with PRPF3-related conditions. ClinVar contains an entry for this variant (Variation ID: 865919). Advanced modeling of protein sequence and biophysical properties (such as structural, functional, and spatial information, amino acid conservation, physicochemical variation, residue mobility, and thermodynamic stability) performed at Invitae indicates that this missense variant is not expected to disrupt PRPF3 protein function with a negative predictive value of 80%. Algorithms developed to predict the effect of sequence changes on RNA splicing suggest that this variant may disrupt the consensus splice site. In summary, the available evidence is currently insufficient to determine the role of this variant in disease. Therefore, it has been classified as a Variant of Uncertain Significance.

Blueprint Genetics
Classification: Uncertain significance. Last evaluated: 2019-12-18. Review status: criteria provided, single submitter. Criteria: ACMG Guidelines, 2015. Collection method: clinical testing. Allele origin: germline.